The following is an entry in ClinVar:

NM_005476.7(GNE):c.1388_1389del (p.Leu463fs)

Gene: GNE (glucosamine (UDP-N-acetyl)-2-epimerase/N-acetylmannosamine kinase; minus strand). Cytogenetic location: 9p13.3.
Variant type: Deletion.
Coding change: c.1388_1389del on transcript NM_005476.7 (MANE Select); coding-DNA positions 1388 to 1389, 2 bases deleted (TG; older notation c.1388_1389delTG).
Protein change: p.Leu463fs; shifts the reading frame from leucine 463.
Molecular consequence: frameshift variant.
Genome position (GRCh38, 1-based): chr9:36,223,395-36,223,396, CA deleted on the plus strand (TG on the coding strand, the reverse complement: GNE is on the minus strand). VCF-style (leftmost placement, unchanged base first): chr9-36223394-TCA-T. GRCh37 (hg19) VCF-style: chr9-36223391-TCA-T.
Other names: c.1481_1482del, p.Leu494fs (NM_001128227.3); c.1388_1389del, p.Leu463fs (NM_001190383.3); c.1058_1059del, p.Leu353fs (NM_001190384.3); c.1211_1212del, p.Leu404fs (NM_001190388.2, NM_001374798.1); c.1235_1236del, p.Leu412fs (NM_001374797.1); short protein forms L353fs, L404fs, L412fs, L463fs, L494fs.
Identifiers: ClinVar variation 5016160 (VCV005016160.1).

ClinVar aggregate classification (germline): Pathogenic (1 of 4 stars; one submission).

Conditions:
GNE myopathy (NM). Also called: NONAKA DISTAL MYOPATHY; INCLUSION BODY MYOPATHY, HEREDITARY, AUTOSOMAL RECESSIVE; INCLUSION BODY MYOPATHY 2, AUTOSOMAL RECESSIVE; MYOPATHY, DISTAL, WITH OR WITHOUT RIMMED VACUOLES; IBM 2; Inclusion body myopathy autosomal recessive. Identifiers: Orphanet 602, MedGen C1853926, MONDO:0011603, OMIM 605820.

Submission:

Myriad Genetics, Inc.
Classification: Pathogenic for GNE myopathy. Last evaluated: 2026-07-25. Review status: criteria provided, single submitter. Criteria: Myriad Autosomal Dominant, Autosomal Recessive and X-Linked Classification Criteria (2023). Collection method: clinical testing. Allele origin: unknown.
Comment: NM_001128227.2(GNE):c.1481_1482delTG(L494Qfs*38) is expected to be pathogenic in the context of GNE myopathy. This variant is predicted to lead to an abnormal or absent protein product due to the creation of a premature termination codon in GNE, a gene where loss-of-function variants are known to be pathogenic. Please note: this variant was assessed in the context of healthy population screening.